The following is an entry in ClinVar:

NM_000557.5(GDF5):c.1166del (p.Gly389fs)

Genes: GDF5 (growth differentiation factor 5; minus strand), GDF5-AS1 (GDF5 antisense RNA 1; plus strand). Cytogenetic location: 20q11.22.
Variant type: Deletion.
Coding change: c.1166del on transcript NM_000557.5 (MANE Select); coding-DNA position 1166, one base deleted (G; older notation c.1166delG).
Protein change: p.Gly389fs; shifts the reading frame from glycine 389.
Molecular consequence: frameshift variant. On other transcripts: non-coding transcript variant (1).
Genome position (GRCh38, 1-based): chr20:35,434,249, C deleted on the plus strand (G on the coding strand, the reverse complement: GDF5 is on the minus strand); the first of 3 consecutive C bases (chr20:35,434,249-35,434,251); deleting any one gives the same sequence. VCF-style (leftmost placement, unchanged base first): chr20-35434248-GC-G. GRCh37 (hg19) VCF-style: chr20-34022046-GC-G.
Other names: c.1166del, p.Gly389fs (NM_001319138.2); short protein forms G389fs.
Identifiers: ClinVar variation 4819326 (VCV004819326.1).

ClinVar aggregate classification (germline): Likely pathogenic (1 of 4 stars; one submission).

Conditions:
Brachydactyly type C (BDC). Identifiers: Orphanet 93384, MedGen C1862103, MONDO:0007221, OMIM 113100, HP:0009373.

Submission:

Clinical Biomedical Laboratory, Shriners Hospital For Children - Canada
Classification: Likely pathogenic for Brachydactyly type C. Review status: criteria provided, single submitter. Criteria: ACMG Guidelines, 2015. Collection method: clinical testing. Allele origin: germline. Affected: yes.
Comment: This variant is predicted to substitute a glycine residue by an alanine residue and introduce a stop codon 64 amino acids downstream. As the variant affects the last exon of GDF5, the variant is expected to lead to a truncated protein rather than nonsense-mediated decays. Heterozygous truncating variants in GDF5 have been observed in brachydactyly type C (PMID 18283415), which is compatible with clinical characteristics of the proband. This variant is absent from the Genome Aggregation Database (v2.1.1.), indicating it is very rare. This variant is not reported in ClinVar. Based on the ACMG variant interpretation guidelines (criteria: PVS1, PM2), the available evidence supports classification of this variant as pathogenic.